The following is an entry in ClinVar:

NM_033305.3(VPS13A):c.1923A>G (p.Thr641=)

Gene: VPS13A (vacuolar protein sorting 13 homolog A; plus strand). Cytogenetic location: 9q21.2.
Variant type: single nucleotide variant.
Coding change: c.1923A>G on transcript NM_033305.3 (MANE Select); coding-DNA position 1923, A replaced by G.
Protein change: p.Thr641=; no amino-acid change (threonine 641 retained).
Molecular consequence: synonymous variant.
Genome position (GRCh38, 1-based): chr9:77,247,281, A>G. VCF-style: chr9-77247281-A-G. GRCh37 (hg19) VCF-style: chr9-79862197-A-G.
Other names: c.1923A>G, p.Thr641= (NM_001018037.2, NM_001018038.3, NM_015186.4).
Identifiers: ClinVar variation 2659269 (VCV002659269.27), dbSNP rs1824871460, ClinGen allele CA465538588.

ClinVar aggregate classification (germline): Likely benign. Review status: criteria provided, multiple submitters, no conflicts (2 of 4 stars). 2 submissions from 2 submitters: Likely benign (2). Last evaluated 2023-09-14.

Allele frequency attached by ClinVar (database versions not stated): gnomAD exomes below 0.00001; TOPMed below 0.00001; gnomAD 0.00001.
gnomAD v4.1: 3 of 1,601,300 alleles (0.00019%); highest among the groups gnomAD compares: Non-Finnish European, 0.00026%; no homozygotes.

Submissions (2):

Labcorp Genetics (formerly Invitae), Labcorp
Classification: Likely benign. Last evaluated: 2023-09-14. Review status: criteria provided, single submitter. Criteria: Invitae Variant Classification Sherloc (09022015). Collection method: clinical testing. Allele origin: germline.

CeGaT Center for Human Genetics Tuebingen
Classification: Likely benign. Last evaluated: 2023-08-01. Review status: criteria provided, single submitter. Criteria: CeGaT Center For Human Genetics Tuebingen Variant Classification Criteria Version 2. Collection method: clinical testing. Allele origin: germline. Affected: yes. Observed: 1 variant allele.
Comment: VPS13A: BP4, BP7